The following is an entry in ClinVar:

ClinVar aggregate classification (germline): Uncertain significance. Review status: criteria provided, multiple submitters, no conflicts (2 of 4 stars). 2 submissions from 2 submitters: Uncertain significance (2). Last evaluated 2025-03-07.

Conditions:
Hereditary cancer-predisposing syndrome. Also called: Hereditary neoplastic syndrome; Tumor predisposition; Neoplastic Syndromes, Hereditary; Hereditary Cancer Syndrome. Identifiers: Orphanet 140162, MedGen C0027672, MeSH D009386, MONDO:0015356.

Allele frequency attached by ClinVar (database versions not stated): gnomAD exomes below 0.00001; gnomAD 0.00001.
gnomAD v4.1: 2 of 1,614,104 alleles (0.00012%); highest among the groups gnomAD compares: African/African-American, 0.0013%; no homozygotes.

Submissions (2):

Ambry Genetics
Classification: Uncertain significance for Hereditary cancer-predisposing syndrome. Last evaluated: 2025-03-07. Review status: criteria provided, single submitter. Criteria: Ambry Variant Classification Scheme 2023. Collection method: clinical testing. Allele origin: germline.
Comment: The p.N217S variant (also known as c.650A>G), located in coding exon 5 of the CTNNA1 gene, results from an A to G substitution at nucleotide position 650. The asparagine at codon 217 is replaced by serine, an amino acid with highly similar properties. This amino acid position is conserved. In addition, this alteration is predicted to be tolerated by in silico analysis. Based on the available evidence, the clinical significance of this variant remains unclear.

Labcorp Genetics (formerly Invitae), Labcorp
Classification: Uncertain significance. Last evaluated: 2021-01-26. Review status: criteria provided, single submitter. Criteria: Invitae Variant Classification Sherloc (09022015). Collection method: clinical testing. Allele origin: germline.
Comment: In summary, the available evidence is currently insufficient to determine the role of this variant in disease. Therefore, it has been classified as a Variant of Uncertain Significance. Algorithms developed to predict the effect of missense changes on protein structure and function (SIFT, PolyPhen-2, Align-GVGD) all suggest that this variant is likely to be tolerated, but these predictions have not been confirmed by published functional studies and their clinical significance is uncertain. This variant has not been reported in the literature in individuals with CTNNA1-related conditions. This variant is not present in population databases (ExAC no frequency). This sequence change replaces asparagine with serine at codon 217 of the CTNNA1 protein (p.Asn217Ser). The asparagine residue is moderately conserved and there is a small physicochemical difference between asparagine and serine.

NM_001903.5(CTNNA1):c.650A>G (p.Asn217Ser)

Gene: CTNNA1 (catenin alpha 1; plus strand). Cytogenetic location: 5q31.2.
Variant type: single nucleotide variant.
Coding change: c.650A>G on transcript NM_001903.5 (MANE Select); coding-DNA position 650, A replaced by G.
Protein change: p.Asn217Ser; replaces asparagine 217 with serine.
Molecular consequence: missense variant.
Genome position (GRCh38, 1-based): chr5:138,824,591, A>G. VCF-style: chr5-138824591-A-G. GRCh37 (hg19) VCF-style: chr5-138160280-A-G.
Other names: c.650A>G, p.Asn217Ser (NM_001290307.3, NM_001323982.2, NM_001323983.1 and 3 more transcripts); c.341A>G, p.Asn114Ser (NM_001290309.3); c.281A>G, p.Asn94Ser (NM_001290310.3); c.650A>G (NM_001903.2); short protein forms N114S, N217S, N94S.
Identifiers: ClinVar variation 1504606 (VCV001504606.9), dbSNP rs1489665450, ClinGen allele CA361129586.
Genomic context (GRCh38, chr5:138,824,591, plus strand): 5'-AATTGAAAGATGTTGGCCATCGTGATCAGATGGCTGCAGCTAGAGGAATCCTGCAGAAGA[A>G]CGTTCCGATCCTCTATACTGCATCCCAGGCATGCCTACAGCACCCTGATGTCGCAGCCTA-3'
Protein context (NP_001894.2, residues 207-227): MAAARGILQK[Asn217Ser]VPILYTASQA